The following is an entry in ClinVar:

ClinVar aggregate classification (germline): Conflicting classifications of pathogenicity. Review status: criteria provided, conflicting classifications (1 of 4 stars). 6 submissions from 6 submitters: Likely pathogenic (2); Uncertain significance (2). 2 of the submissions do not count toward it. Last evaluated 2025-11-16.

Conditions:
Jeune thoracic dystrophy. Also called: Jeune syndrome; Infantile thoracic dystrophy; Thoracic pelvic phalangeal dystrophy; Jeune's syndrome; Chondroectodermal dysplasia-like syndrome; Short-rib thoracic dysplasia. Identifiers: Orphanet 474, MedGen C0265275, MONDO:0018770.

Allele frequency attached by ClinVar (database versions not stated): gnomAD 0.00002; gnomAD exomes 0.00002 and 0.00005; TOPMed 0.00002; ExAC 0.00003.
gnomAD v4.1: 80 of 1,611,820 alleles (0.005%); highest among the groups gnomAD compares: Non-Finnish European, 0.0064%; no homozygotes.

Submissions (6):

Labcorp Genetics (formerly Invitae), Labcorp
Classification: Likely pathogenic for Jeune thoracic dystrophy. Last evaluated: 2025-11-16. Review status: criteria provided, single submitter. Criteria: Invitae Variant Classification Sherloc (09022015). Collection method: clinical testing. Allele origin: germline.
Comment: This sequence change replaces threonine, which is neutral and polar, with methionine, which is neutral and non-polar, at codon 1696 of the DYNC2H1 protein (p.Thr1696Met). This variant is present in population databases (rs751030969, gnomAD 0.003%). This missense change has been observed in individuals with clinical features of short-rib thoracic dysplasia with or without polydactyly (PMID: 29068549, 29096039). ClinVar contains an entry for this variant (Variation ID: 446616). Invitae Evidence Modeling of protein sequence and biophysical properties (such as structural, functional, and spatial information, amino acid conservation, physicochemical variation, residue mobility, and thermodynamic stability) indicates that this missense variant is expected to disrupt DYNC2H1 protein function with a positive predictive value of 95%. In summary, the currently available evidence indicates that the variant is pathogenic, but additional data are needed to prove that conclusively. Therefore, this variant has been classified as Likely Pathogenic.

Women's Health and Genetics/Laboratory Corporation of America, LabCorp
Classification: Uncertain significance. Last evaluated: 2025-06-03. Review status: criteria provided, single submitter. Criteria: LabCorp Variant Classification Summary - May 2015. Collection method: clinical testing. Allele origin: germline.
Comment: Variant summary: DYNC2H1 c.5087C>T (p.Thr1696Met) results in a non-conservative amino acid change located in the AAA+ ATPase domain (IPR003593) and Dynein heavy chain, hydrolytic ATP-binding dynein motor region (IPR035699) of the encoded protein sequence. Algorithms developed to predict the effect of missense changes on protein structure and function all suggest that this variant is likely to be disruptive. The variant allele was found at a frequency of 2.4e-05 in 246386 control chromosomes. c.5087C>T has been reported in the literature in at-least two compound heterozygous individuals affected with Short-rib thoracic dysplasia (example: Zhang_2018, Stals_2018). These data indicate that the variant may be associated with disease. To our knowledge, no experimental evidence demonstrating an impact on protein function has been reported. The following publications have been ascertained in the context of this evaluation (PMID: 29068549, 29096039). ClinVar contains an entry for this variant (Variation ID: 446616). Based on the evidence outlined above, the variant was classified as VUS-possibly pathogenic.

Blueprint Genetics
Classification: Uncertain significance. Last evaluated: 2023-11-28. Review status: criteria provided, single submitter. Criteria: ACMG Guidelines, 2015. Collection method: clinical testing. Allele origin: germline.

CeGaT Center for Human Genetics Tuebingen
Classification: Likely pathogenic. Last evaluated: 2023-08-01. Review status: criteria provided, single submitter. Criteria: CeGaT Center For Human Genetics Tuebingen Variant Classification Criteria Version 2. Collection method: clinical testing. Allele origin: germline. Affected: yes. Observed: 2 variant alleles.
Comment: DYNC2H1: PM1, PM2, PP4:Moderate, PP3

Dan Cohn Lab, University Of California Los Angeles
Classification: Pathogenic for Asphyxiating thoracic dystrophy. Last evaluated: 2017-06-01. Review status: no assertion criteria provided. Collection method: research. Allele origin: unknown. Affected: yes. Not counted in ClinVar's aggregate classification.

University of Washington Center for Mendelian Genomics, University of Washington
Classification: Likely pathogenic for asphyxiating thoracic dystrophy. Review status: no assertion criteria provided. Collection method: research. Allele origin: inherited. Affected: yes. Not counted in ClinVar's aggregate classification.

Literature cited by the submitters: PubMed 29068549 (cited by 4 submitters); PubMed 29096039 (cited by Labcorp Genetics (formerly Invitae), Labcorp and Women's Health and Genetics/Laboratory Corporation of America, LabCorp).

NM_001377.3(DYNC2H1):c.5087C>T (p.Thr1696Met)

Gene: DYNC2H1 (dynein cytoplasmic 2 heavy chain 1; plus strand). Cytogenetic location: 11q22.3.
Variant type: single nucleotide variant.
Coding change: c.5087C>T on transcript NM_001377.3 (MANE Select); coding-DNA position 5087, C replaced by T.
Protein change: p.Thr1696Met; replaces threonine 1696 with methionine.
Molecular consequence: missense variant.
Genome position (GRCh38, 1-based): chr11:103,170,226, C>T. VCF-style: chr11-103170226-C-T. GRCh37 (hg19) VCF-style: chr11-103040955-C-T.
Other names: c.5087C>T, p.Thr1696Met (NM_001080463.2); short protein forms T1696M.
Identifiers: ClinVar variation 446616 (VCV000446616.35), dbSNP rs751030969, ClinGen allele CA6253689.